The following is an entry in ClinVar:

NM_000051.4(ATM):c.5006-6A>G

Gene: ATM (ATM serine/threonine kinase; plus strand). Cytogenetic location: 11q22.3.
Variant type: single nucleotide variant.
Coding change: c.5006-6A>G on transcript NM_000051.4 (MANE Select); 6 bases into the intron before coding-DNA position 5006, A replaced by G.
Molecular consequence: intron variant.
Genome position (GRCh38, 1-based): chr11:108,299,708, A>G. VCF-style: chr11-108299708-A-G. GRCh37 (hg19) VCF-style: chr11-108170435-A-G.
Other names: c.5006-6A>G (NM_001351834.2).
Identifiers: ClinVar variation 1616910 (VCV001616910.9), dbSNP rs1392301961, ClinGen allele CA602132762.

ClinVar aggregate classification (germline): Likely benign. Review status: criteria provided, multiple submitters, no conflicts (2 of 4 stars). 2 submissions from 2 submitters: Likely benign (2). Last evaluated 2024-05-22.

Conditions:
Familial cancer of breast. Also called: BREAST CANCER, FAMILIAL; Hereditary breast cancer; hereditary breast carcinoma. Identifiers: Orphanet 227535, MedGen C0346153, MONDO:0016419, OMIM 114480. Disease mechanism: loss of function.
Ataxia-telangiectasia syndrome (AT). Also called: Cerebello-oculocutaneous telangiectasia; Immunodeficiency with ataxia telangiectasia; Ataxia telangiectasia (A-T); Ataxia-telangiectasia, complementation group E; LOUIS-BAR SYNDROME; Ataxia-telangiectasia. Identifiers: Orphanet 100, MedGen C0004135, MONDO:0008840, OMIM 208900.

Allele frequency attached by ClinVar (database versions not stated): gnomAD exomes below 0.00001; TOPMed below 0.00001.
gnomAD v4.1: 1 of 1,613,024 alleles (0.000062%); highest among the groups gnomAD compares: South Asian, 0.0011%; no homozygotes.

Submissions (2):

Myriad Genetics, Inc.
Classification: Likely benign for Familial cancer of breast. Last evaluated: 2024-05-22. Review status: criteria provided, single submitter. Criteria: Myriad Autosomal Dominant, Autosomal Recessive and X-Linked Classification Criteria (2023). Collection method: clinical testing. Allele origin: unknown.
Comment: This variant is considered likely benign. This variant is intronic and is not expected to impact mRNA splicing.

Labcorp Genetics (formerly Invitae), Labcorp
Classification: Likely benign for Ataxia-telangiectasia syndrome. Last evaluated: 2022-10-05. Review status: criteria provided, single submitter. Criteria: Invitae Variant Classification Sherloc (09022015). Collection method: clinical testing. Allele origin: germline.